The following is an entry in ClinVar:

NM_005475.3(SH2B3):c.1670T>C (p.Met557Thr)

Gene: SH2B3 (SH2B adaptor protein 3; plus strand). Cytogenetic location: 12q24.12.
Variant type: single nucleotide variant.
Coding change: c.1670T>C on transcript NM_005475.3 (MANE Select); coding-DNA position 1670, T replaced by C.
Protein change: p.Met557Thr; replaces methionine 557 with threonine.
Molecular consequence: missense variant.
Genome position (GRCh38, 1-based): chr12:111,448,244, T>C. VCF-style: chr12-111448244-T-C. GRCh37 (hg19) VCF-style: chr12-111886048-T-C.
Other names: c.1064T>C, p.Met355Thr (NM_001291424.1); short protein forms M355T, M557T.
Identifiers: ClinVar variation 4864420 (VCV004864420.1).

ClinVar aggregate classification (germline): Uncertain significance (1 of 4 stars; one submission).

Conditions:
Inborn genetic diseases. Identifiers: MedGen C0950123, MeSH D030342.

Submission:

Ambry Genetics
Classification: Uncertain significance for Inborn genetic diseases. Last evaluated: 2026-04-12. Review status: criteria provided, single submitter. Criteria: Ambry Variant Classification Scheme 2023. Collection method: clinical testing. Allele origin: germline.
Comment: The p.M557T variant (also known as c.1670T>C), located in coding exon 7 of the SH2B3 gene, results from a T to C substitution at nucleotide position 1670. The methionine at codon 557 is replaced by threonine, an amino acid with similar properties. This amino acid position is conserved. In addition, this alteration is predicted to be tolerated by in silico analysis. Based on the available evidence, the clinical significance of this variant remains unclear.